The following is an entry in ClinVar:

ClinVar aggregate classification (germline): Uncertain significance (1 of 4 stars; one submission).

Submission:

CeGaT Center for Human Genetics Tuebingen
Classification: Uncertain significance. Last evaluated: 2022-07-01. Review status: criteria provided, single submitter. Criteria: CeGaT Center For Human Genetics Tuebingen Variant Classification Criteria Version 2. Collection method: clinical testing. Allele origin: germline. Affected: yes. Observed: 1 variant allele.
Comment: AGO2: PM2, PP2

NM_012154.5(AGO2):c.1703A>G (p.Asn568Ser)

Gene: AGO2 (argonaute RISC catalytic component 2; minus strand). Cytogenetic location: 8q24.3.
Variant type: single nucleotide variant.
Coding change: c.1703A>G on transcript NM_012154.5 (MANE Select); coding-DNA position 1703, A replaced by G.
Protein change: p.Asn568Ser; replaces asparagine 568 with serine.
Molecular consequence: missense variant.
Genome position (GRCh38, 1-based): chr8:140,547,513, T>C on the plus strand (A>G on the coding strand, the complement: AGO2 is on the minus strand). VCF-style: chr8-140547513-T-C. GRCh37 (hg19) VCF-style: chr8-141557612-T-C.
Other names: c.1703A>G, p.Asn568Ser (NM_001164623.3); short protein forms N568S.
Identifiers: ClinVar variation 2658862 (VCV002658862.24), dbSNP rs2540704700, ClinGen allele CA372318025.